The following is an entry in ClinVar:

ClinVar aggregate classification (germline): Likely benign (1 of 4 stars; one submission).

Conditions:
PLAU-related disorder. Also called: PLAU-related condition.

gnomAD v4.1: 50 of 1,610,940 alleles (0.0031%); highest among the groups gnomAD compares: Admixed American, 0.013%; no homozygotes.

Submission:

PreventionGenetics, part of Exact Sciences
Classification: Likely benign for PLAU-related condition. Last evaluated: 2025-12-26. Review status: criteria provided, single submitter. Criteria: ACMG Guidelines, 2015. Collection method: clinical testing. Allele origin: germline.
Comment: This variant is classified as likely benign based on ACMG/AMP sequence variant interpretation guidelines (Richards et al. 2015 PMID: 25741868, with internal and published modifications).

NM_002658.6(PLAU):c.1120-7G>A

Genes: C10orf55 (chromosome 10 putative open reading frame 55; minus strand), PLAU (plasminogen activator, urokinase; plus strand). Cytogenetic location: 10q22.2.
Variant type: single nucleotide variant.
Coding change: c.1120-7G>A on transcript NM_002658.6 (MANE Select); 7 bases into the intron before coding-DNA position 1120, G replaced by A.
Molecular consequence: intron variant.
Genome position (GRCh38, 1-based): chr10:73,916,382, G>A. VCF-style: chr10-73916382-G-A. GRCh37 (hg19) VCF-style: chr10-75676140-G-A.
Other names: c.1120-7G>A (NM_001441154.1, NM_001441157.1, NM_001441155.1 and 1 more transcripts); c.862-7G>A (NM_001441158.1, NM_001441159.1, NM_001319191.2); c.1069-7G>A (NM_001145031.3); c.1120-44G>A (NM_001441160.1).
Identifiers: ClinVar variation 4977193 (VCV004977193.1).